The following is an entry in ClinVar:

ClinVar aggregate classification (germline): Likely benign (1 of 4 stars; one submission).

Allele frequency attached by ClinVar (database versions not stated): 1000 Genomes Project 30x 0.01171; 1000 Genomes Project 0.01178; TOPMed 0.02519; gnomAD 0.02619 and 0.02721.
gnomAD v4.1: 4,000 of 151,892 alleles (2.6%); highest among the groups gnomAD compares: Middle Eastern, 4.1%; 68 homozygotes.

Submission:

GeneDx
Classification: Likely benign. Last evaluated: 2018-06-14. Review status: criteria provided, single submitter. Criteria: GeneDx Variant Classification (06012015). Collection method: clinical testing. Allele origin: germline. Affected: yes.
Comment: This variant is considered likely benign or benign based on one or more of the following criteria: it is a conservative change, it occurs at a poorly conserved position in the protein, it is predicted to be benign by multiple in silico algorithms, and/or has population frequency not consistent with disease.

NM_000501.4(ELN):c.233-296C>G

Gene: ELN (elastin; plus strand). Cytogenetic location: 7q11.23.
Variant type: single nucleotide variant.
Coding change: c.233-296C>G on transcript NM_000501.4 (MANE Select); 296 bases into the intron before coding-DNA position 233, C replaced by G.
Molecular consequence: intron variant.
Genome position (GRCh38, 1-based): chr7:74,042,318, C>G. VCF-style: chr7-74042318-C-G. GRCh37 (hg19) VCF-style: chr7-73456648-C-G.
Other names: c.233-296C>G (NM_001081754.3, NM_001081753.3, NM_001278939.2 and 4 more transcripts); c.197-296C>G (NM_001278913.2); c.203-296C>G (NM_001278914.2, NM_001278917.2, NM_001081752.3 and 1 more transcripts).
Identifiers: ClinVar variation 671488 (VCV000671488.1), dbSNP rs2856729, ClinGen allele CA160126555.
Genomic context (GRCh38, chr7:74,042,318, plus strand): 5'-AAAAATACAAAAAAAAAAAAATTTGCCGGGCACAGTGGCATGCACCTGTAGTTCCACCTA[C>G]TTGGAAGGCTGAGGCGGGAGGATTGCTTGAGCCTGGGTGGTTGAGGCTGCAGTGAGCCAA-3'